The following is an entry in ClinVar:

ClinVar aggregate classification (germline): Uncertain significance. Review status: criteria provided, multiple submitters, no conflicts (2 of 4 stars). 2 submissions from 2 submitters: Uncertain significance (2). Last evaluated 2025-08-08.

Conditions:
Familial temporal lobe epilepsy 7. Identifiers: Orphanet 101046, MedGen C4225327, MONDO:0014639, OMIM 616436.
Norman-Roberts syndrome (LIS2). Also called: Lissencephaly 2 (Norman-Roberts type). Identifiers: Orphanet 89844, MedGen C0796089, MONDO:0009760, OMIM 257320.
Inborn genetic diseases. Identifiers: MedGen C0950123, MeSH D030342.

Allele frequency attached by ClinVar (database versions not stated): gnomAD exomes below 0.00001; gnomAD 0.00001; TOPMed 0.00001.
gnomAD v4.1: 6 of 1,613,002 alleles (0.00037%); highest among the groups gnomAD compares: Admixed American, 0.0083%; no homozygotes.

Submissions (2):

Labcorp Genetics (formerly Invitae), Labcorp
Classification: Uncertain significance for Familial temporal lobe epilepsy 7; Norman-Roberts syndrome. Last evaluated: 2025-08-08. Review status: criteria provided, single submitter. Criteria: Invitae Variant Classification Sherloc (09022015). Collection method: clinical testing. Allele origin: germline.
Comment: This sequence change replaces threonine, which is neutral and polar, with proline, which is neutral and non-polar, at codon 3430 of the RELN protein (p.Thr3430Pro). This variant is present in population databases (no rsID available, gnomAD 0.003%). This variant has not been reported in the literature in individuals affected with RELN-related conditions. ClinVar contains an entry for this variant (Variation ID: 1414828). An algorithm developed to predict the effect of missense changes on protein structure and function (PolyPhen-2) suggests that this variant is likely to be tolerated. In summary, the available evidence is currently insufficient to determine the role of this variant in disease. Therefore, it has been classified as a Variant of Uncertain Significance.

Ambry Genetics
Classification: Uncertain significance for Inborn genetic diseases. Last evaluated: 2025-03-04. Review status: criteria provided, single submitter. Criteria: Ambry Variant Classification Scheme 2023. Collection method: clinical testing. Allele origin: germline.

NM_005045.4(RELN):c.10288A>C (p.Thr3430Pro)

Genes: RELN (reelin; minus strand), SLC26A5-AS1 (SLC26A5 antisense RNA 1; plus strand). Cytogenetic location: 7q22.1.
Variant type: single nucleotide variant.
Coding change: c.10288A>C on transcript NM_005045.4 (MANE Select); coding-DNA position 10288, A replaced by C.
Protein change: p.Thr3430Pro; replaces threonine 3430 with proline.
Molecular consequence: missense variant.
Genome position (GRCh38, 1-based): chr7:103,472,907, T>G on the plus strand (A>C on the coding strand, the complement: RELN is on the minus strand). VCF-style: chr7-103472907-T-G. GRCh37 (hg19) VCF-style: chr7-103113354-T-G.
Other names: c.10288A>C (NM_005045.3); c.10282A>C, p.Thr3428Pro (NM_173054.3); short protein forms T3430P, T3428P.
Identifiers: ClinVar variation 1414828 (VCV001414828.9), dbSNP rs1392502152, ClinGen allele CA368756114.